The following is an entry in ClinVar:

ClinVar aggregate classification (germline): Uncertain significance (1 of 4 stars; one submission).

Submission:

Ambry Genetics
Classification: Uncertain significance. Last evaluated: 2026-02-22. Review status: criteria provided, single submitter. Criteria: Ambry Variant Classification Scheme 2023. Collection method: clinical testing. Allele origin: germline.
Comment: The p.D144N variant (also known as c.430G>A), located in coding exon 3 of the RNF43 gene, results from a G to A substitution at nucleotide position 430. The aspartic acid at codon 144 is replaced by asparagine, an amino acid with highly similar properties. This amino acid position is conserved. In addition, this alteration is predicted to be tolerated by in silico analysis. Based on the available evidence, the clinical significance of this variant remains unclear.

NM_017763.6(RNF43):c.430G>A (p.Asp144Asn)

Gene: RNF43 (ring finger protein 43; minus strand). Cytogenetic location: 17q22.
Variant type: single nucleotide variant.
Coding change: c.430G>A on transcript NM_017763.6 (MANE Select); coding-DNA position 430, G replaced by A.
Protein change: p.Asp144Asn; replaces aspartic acid 144 with asparagine.
Molecular consequence: missense variant.
Genome position (GRCh38, 1-based): chr17:58,363,546, C>T on the plus strand (G>A on the coding strand, the complement: RNF43 is on the minus strand). VCF-style: chr17-58363546-C-T. GRCh37 (hg19) VCF-style: chr17-56440907-C-T.
Other names: c.430G>A, p.Asp144Asn (NM_001305544.3, NM_001438820.1, NM_001438821.1 and 1 more transcripts); c.49G>A, p.Asp17Asn (NM_001305545.2, NM_001437987.1); short protein forms D144N, D17N.
Identifiers: ClinVar variation 4844788 (VCV004844788.1).